The following is an entry in ClinVar:

ClinVar aggregate classification (germline): Uncertain significance. Review status: criteria provided, multiple submitters, no conflicts (2 of 4 stars). 2 submissions from 2 submitters: Uncertain significance (2). Last evaluated 2025-11-09.

Conditions:
Hereditary spastic paraplegia 8 (SPG8). Also called: SPASTIC PARAPLEGIA 8, AUTOSOMAL DOMINANT. Identifiers: Orphanet 100989, MedGen C1863704, MONDO:0011339, OMIM 603563.
Ritscher-Schinzel syndrome. Also called: CRANIOCEREBELLOCARDIAC DYSPLASIA. Identifiers: Orphanet 7, MedGen C0796137, MONDO:0019078.

Allele frequency attached by ClinVar (database versions not stated): ESP Exome Variant Server 0.00008; TOPMed 0.00001.
gnomAD v4.1: 33 of 1,613,966 alleles (0.002%); highest among the groups gnomAD compares: Middle Eastern, 0.099%; no homozygotes.

Submissions (2):

Labcorp Genetics (formerly Invitae), Labcorp
Classification: Uncertain significance for Ritscher-Schinzel syndrome; Hereditary spastic paraplegia 8. Last evaluated: 2025-11-09. Review status: criteria provided, single submitter. Criteria: Invitae Variant Classification Sherloc (09022015). Collection method: clinical testing. Allele origin: germline.
Comment: This sequence change replaces isoleucine, which is neutral and non-polar, with threonine, which is neutral and polar, at codon 1022 of the WASHC5 protein (p.Ile1022Thr). This variant is present in population databases (rs150819213, gnomAD 0.006%). This variant has not been reported in the literature in individuals affected with WASHC5-related conditions. ClinVar contains an entry for this variant (Variation ID: 911129). Invitae Evidence Modeling of protein sequence and biophysical properties (such as structural, functional, and spatial information, amino acid conservation, physicochemical variation, residue mobility, and thermodynamic stability) indicates that this missense variant is not expected to disrupt WASHC5 protein function with a negative predictive value of 80%. In summary, the available evidence is currently insufficient to determine the role of this variant in disease. Therefore, it has been classified as a Variant of Uncertain Significance.

Illumina Laboratory Services, Illumina
Classification: Uncertain significance for Hereditary spastic paraplegia 8. Last evaluated: 2018-01-13. Review status: criteria provided, single submitter. Criteria: ICSL Variant Classification Criteria 13 December 2019. Collection method: clinical testing. Allele origin: germline.

NM_014846.4(WASHC5):c.3065T>C (p.Ile1022Thr)

Gene: WASHC5 (WASH complex subunit 5; minus strand). Cytogenetic location: 8q24.13.
Variant type: single nucleotide variant.
Coding change: c.3065T>C on transcript NM_014846.4 (MANE Select); coding-DNA position 3065, T replaced by C.
Protein change: p.Ile1022Thr; replaces isoleucine 1022 with threonine.
Molecular consequence: missense variant.
Genome position (GRCh38, 1-based): chr8:125,038,849, A>G on the plus strand (T>C on the coding strand, the complement: WASHC5 is on the minus strand). VCF-style: chr8-125038849-A-G. GRCh37 (hg19) VCF-style: chr8-126051091-A-G.
Other names: c.2621T>C, p.Ile874Thr (NM_001330609.2); short protein forms I1022T, I874T.
Identifiers: ClinVar variation 911129 (VCV000911129.6), dbSNP rs150819213, ClinGen allele CA4873338.